The following is an entry in ClinVar:

NM_199437.2(PRDM10):c.1490C>T (p.Thr497Met)

Gene: PRDM10 (PR/SET domain 10; minus strand). Cytogenetic location: 11q24.3.
Variant type: single nucleotide variant.
Coding change: c.1490C>T on transcript NM_199437.2 (MANE Select); coding-DNA position 1490, C replaced by T.
Protein change: p.Thr497Met; replaces threonine 497 with methionine.
Molecular consequence: missense variant.
Genome position (GRCh38, 1-based): chr11:129,931,056, G>A on the plus strand (C>T on the coding strand, the complement: PRDM10 is on the minus strand). VCF-style: chr11-129931056-G-A. GRCh37 (hg19) VCF-style: chr11-129800951-G-A.
Other names: p.Thr497Met; c.1490C>T, p.Thr497Met (NM_001367890.1, NM_001367893.1, NM_001367894.1 and 1 more transcripts); c.1430C>T, p.Thr477Met (NM_001367891.1); c.1424C>T, p.Thr475Met (NM_001367892.1); c.641C>T, p.Thr214Met (NM_001367895.1, NM_001367896.1, NM_001367897.1); c.1232C>T, p.Thr411Met (NM_001367898.1, NM_001367899.1, NM_199438.2 and 1 more transcripts); short protein forms T497M, T475M, T411M, T214M, T477M.
Identifiers: ClinVar variation 3218327 (VCV003218327.2), dbSNP rs564662147, ClinGen allele CA6362039.

ClinVar aggregate classification (germline): Uncertain significance. Review status: criteria provided, multiple submitters, no conflicts (2 of 4 stars). 2 submissions from 2 submitters: Uncertain significance (2). Last evaluated 2026-01-27.

Conditions:
Birt-Hogg-Dube syndrome 2 (BHD2). Identifiers: MedGen C5830676, MONDO:0800455, OMIM 620459.

Allele frequency attached by ClinVar (database versions not stated): gnomAD 0.00001; TOPMed 0.00003; gnomAD exomes 0.00005; ExAC 0.00012; 1000 Genomes Project 30x 0.00016; 1000 Genomes Project 0.00020.
gnomAD v4.1: 78 of 1,614,104 alleles (0.0048%); highest among the groups gnomAD compares: South Asian, 0.057%; no homozygotes.

Submissions (2):

Foundation for Research in Genetics and Endocrinology, FRIGE's Institute of Human Genetics
Classification: Uncertain significance for Birt-Hogg-Dube syndrome 2. Last evaluated: 2026-01-27. Review status: criteria provided, single submitter. Criteria: ACMG Guidelines, 2015. Collection method: clinical testing. Allele origin: germline. Inheritance: Autosomal dominant inheritance. Affected: yes. Observed: 1 heterozygote.
Comment: A heterozygous missense variant in exon 11 of the PRDM10 gene (chr11:g.129931056G>A; Depth:101x) that results in the amino acid substitution of Methionine for Threonine at codon 497 (p.Thr497Met; ENST00000360871.8). The p.Thr497Met variant has a minor allele frequency of 0.02%, 0.001%, 0.01%, and 0.003% in the 1000 genomes, gnomAD (v3.1), gnomAD (v2.1) and topmed databases. The in-silico predictions of the variant are damaging by SIFT, LRT and Mutation Taster-2 tools. The reference codon is conserved across species.

Ambry Genetics
Classification: Uncertain significance. Last evaluated: 2023-09-26. Review status: criteria provided, single submitter. Criteria: Ambry Variant Classification Scheme 2023. Collection method: clinical testing. Allele origin: germline.